The following is an entry in ClinVar:

ClinVar aggregate classification (germline): Uncertain significance. Review status: criteria provided, multiple submitters, no conflicts (2 of 4 stars). 3 submissions from 3 submitters: Uncertain significance (3). Last evaluated 2025-12-23.

Allele frequency attached by ClinVar (database versions not stated): 1000 Genomes Project 0.00020; 1000 Genomes Project 30x 0.00031; ExAC 0.00002; gnomAD exomes 0.00002 and 0.00003; gnomAD 0.00003; TOPMed 0.00003.
gnomAD v4.1: 42 of 1,614,078 alleles (0.0026%); highest among the groups gnomAD compares: Middle Eastern, 0.016%; no homozygotes.

Submissions (3):

Labcorp Genetics (formerly Invitae), Labcorp
Classification: Uncertain significance. Last evaluated: 2025-12-23. Review status: criteria provided, single submitter. Criteria: Invitae Variant Classification Sherloc (09022015). Collection method: clinical testing. Allele origin: germline.
Comment: This sequence change replaces alanine, which is neutral and non-polar, with valine, which is neutral and non-polar, at codon 1212 of the NIN protein (p.Ala1212Val). This variant is present in population databases (rs548569136, gnomAD 0.004%). This variant has not been reported in the literature in individuals affected with NIN-related conditions. ClinVar contains an entry for this variant (Variation ID: 377176). An algorithm developed to predict the effect of missense changes on protein structure and function (PolyPhen-2) suggests that this variant is likely to be disruptive. In summary, the available evidence is currently insufficient to determine the role of this variant in disease. Therefore, it has been classified as a Variant of Uncertain Significance.

Ambry Genetics
Classification: Uncertain significance. Last evaluated: 2025-06-18. Review status: criteria provided, single submitter. Criteria: Ambry Variant Classification Scheme 2023. Collection method: clinical testing. Allele origin: germline.

Center for Pediatric Genomic Medicine, Children's Mercy Hospital and Clinics
Classification: Uncertain significance. Last evaluated: 2016-08-31. Review status: criteria provided, single submitter. Criteria: ACMG Guidelines, 2015. Collection method: clinical testing. Allele origin: germline.
ClinVar note: Converted during submission from Uncertain Significance to Uncertain significance.

NM_020921.4(NIN):c.3635C>T (p.Ala1212Val)

Gene: NIN (ninein; minus strand). Cytogenetic location: 14q22.1.
Variant type: single nucleotide variant.
Coding change: c.3635C>T on transcript NM_020921.4 (MANE Select); coding-DNA position 3635, C replaced by T.
Protein change: p.Ala1212Val; replaces alanine 1212 with valine.
Molecular consequence: missense variant. On other transcripts: intron variant (1).
Genome position (GRCh38, 1-based): chr14:50,757,395, G>A on the plus strand (C>T on the coding strand, the complement: NIN is on the minus strand). VCF-style: chr14-50757395-G-A. GRCh37 (hg19) VCF-style: chr14-51224113-G-A.
Other names: c.3635C>T (NM_020921.3); c.3635C>T, p.Ala1212Val (NM_182944.3, NM_182946.2); c.2399+2462C>T (NM_016350.5); short protein forms A1212V.
Identifiers: ClinVar variation 377176 (VCV000377176.9), dbSNP rs548569136, ClinGen allele CA7181706.